The following is an entry in ClinVar:

NM_001278512.2(AP3B2):c.1031_1041del (p.Leu344fs)

Genes: AP3B2 (adaptor related protein complex 3 subunit beta 2; minus strand), CPEB1-AS1 (CPEB1 antisense RNA 1; plus strand). Cytogenetic location: 15q25.2.
Variant type: Deletion.
Coding change: c.1031_1041del on transcript NM_001278512.2 (MANE Select); coding-DNA positions 1031 to 1041, 11 bases deleted (TGGTGCGCCTG).
Protein change: p.Leu344fs; shifts the reading frame from leucine 344.
Molecular consequence: frameshift variant.
Genome position (GRCh38, 1-based): chr15:82,680,486-82,680,496, CAGGCGCACCA deleted on the plus strand (TGGTGCGCCTG on the coding strand, the reverse complement: AP3B2 is on the minus strand). VCF-style (leftmost placement, unchanged base first): chr15-82680485-GCAGGCGCACCA-G. GRCh37 (hg19) VCF-style: chr15-83349237-GCAGGCGCACCA-G.
Other names: c.935_945del, p.Leu312fs (NM_001278511.2); c.1031_1041del, p.Leu344fs (NM_004644.5); short protein forms L344fs, L312fs.
Identifiers: ClinVar variation 3661082 (VCV003661082.2).
Genomic context (GRCh38, chr15:82,680,485, plus strand): 5'-GCGGGGCAGGAGGCGAGGGAGGGGGCGGGGCTGGGGGCGGAGCGCACCTGTGGCTGCGCA[GCAGGCGCACCA>G]GCGCCTTGGCGATGACGCCCACTTCCGCCTTGGGCGCCAGGTGGAAGTAGAGCTGCGCCA-3'

ClinVar aggregate classification (germline): Pathogenic (1 of 4 stars; one submission).

Submission:

Labcorp Genetics (formerly Invitae), Labcorp
Classification: Pathogenic. Last evaluated: 2024-07-31. Review status: criteria provided, single submitter. Criteria: Invitae Variant Classification Sherloc (09022015). Collection method: clinical testing. Allele origin: germline.
Comment: This sequence change creates a premature translational stop signal (p.Leu344Profs*6) in the AP3B2 gene. It is expected to result in an absent or disrupted protein product. Loss-of-function variants in AP3B2 are known to be pathogenic (PMID: 27889060). This variant is not present in population databases (gnomAD no frequency). This variant has not been reported in the literature in individuals affected with AP3B2-related conditions. For these reasons, this variant has been classified as Pathogenic.

Literature cited by the submitters: PubMed 27889060.